The following is an entry in ClinVar:

NM_000492.4(CFTR):c.53+1G>A

Gene: CFTR (CF transmembrane conductance regulator; plus strand). Cytogenetic location: 7q31.2.
Variant type: single nucleotide variant.
Coding change: c.53+1G>A on transcript NM_000492.4 (MANE Select); the canonical splice donor site of the intron after coding-DNA position 53, G replaced by A.
Molecular consequence: splice donor variant.
Genome position (GRCh38, 1-based): chr7:117,480,148, G>A. VCF-style: chr7-117480148-G-A. GRCh37 (hg19) VCF-style: chr7-117120202-G-A.
Identifiers: ClinVar variation 4818571 (VCV004818571.1).

ClinVar aggregate classification (germline): Pathogenic (1 of 4 stars; one submission).

Conditions:
CFTR-related disorder (CFTR-RD). Also called: CFTR-related disorders; CFTR-related condition. Identifiers: MedGen C5924204, MONDO:7770004.

gnomAD v4.1: 1 of 1,613,856 alleles (0.000062%); highest among the groups gnomAD compares: Non-Finnish European, 0.000085%; no homozygotes.

Submission:

Natera, Inc.
Classification: Pathogenic for CFTR-related disorders. Last evaluated: 2026-01-21. Review status: criteria provided, single submitter. Criteria: Natera Variant Classification Schema (03/2026). Collection method: clinical testing. Allele origin: germline.
Comment: The c.53+1G>A variant in CFTR is a canonical splice donor site variant predicted to affect pre-mRNA splicing, which may result in an abnormal transcript and altered protein product. This variant is expected to result in nonsense mediated decay, truncation, or a dysfunctional protein product. This variant is rare in the general population with a frequency below the threshold expected for the associated phenotype(s). This variant has been observed in one or more individuals affected with the associated recessive disease, as either homozygous or compound heterozygous with a second variant (PMID: 16596947). Another variant at this same site results in an alteration predicted to cause a similar molecular effect has been observed in individual(s) with the associated phenotype. Given the available evidence, this variant is classified as Pathogenic.

Literature cited by the submitters: PubMed 16596947.